The following is an entry in ClinVar:

NM_002076.4(GNS):c.59_66del (p.Pro20fs)

Gene: GNS (glucosamine (N-acetyl)-6-sulfatase; minus strand). Cytogenetic location: 12q14.3.
Variant type: Deletion.
Coding change: c.59_66del on transcript NM_002076.4 (MANE Select); coding-DNA positions 59 to 66, 8 bases deleted (CCTCCTGC; older notation c.59_66delCCTCCTGC).
Protein change: p.Pro20fs; shifts the reading frame from proline 20.
Molecular consequence: frameshift variant.
Genome position (GRCh38, 1-based): chr12:64,759,211-64,759,218, GCAGGAGG deleted on the plus strand (CCTCCTGC on the coding strand, the reverse complement: GNS is on the minus strand); deleting any 8 consecutive bases within chr12:64,759,211-64,759,223 gives the same sequence; the c. name uses the placement nearest the transcript's 3' end. VCF-style (leftmost placement, unchanged base first): chr12-64759210-TGCAGGAGG-T. GRCh37 (hg19) VCF-style: chr12-65152990-TGCAGGAGG-T.
Other names: short protein forms P20fs.
Identifiers: ClinVar variation 2137388 (VCV002137388.4), dbSNP rs2539542110, ClinGen allele CA2575214549.
Genomic context (GRCh38, chr12:64,759,210, plus strand): 5'-CCGCAGCCACCCCGAAGACCCCCAGGCAGCCGCCCAGCACCAGCAGTAGCAGCGCTGGGC[TGCAGGAGG>T]GCAGGTGGCGGGGGCTGCCCCGCCGGAGCCGACCTGGGGCTAGAGGCAGGAGCCGCATAG-3'

ClinVar aggregate classification (germline): Pathogenic (1 of 4 stars; one submission).

Conditions:
Mucopolysaccharidosis, MPS-III-D (MPS3D). Also called: N-ACETYLGLUCOSAMINE-6-SULFATASE DEFICIENCY; SANFILIPPO SYNDROME D; MPS III D; Mucopoly-saccharidosis type 3D; N-acetylglucosamine-6-sulfate sulfatase deficiency; MPS 3D. Identifiers: Orphanet 581, Orphanet 79272, MedGen C0086650, MONDO:0009658, OMIM 252940.

Submission:

Labcorp Genetics (formerly Invitae), Labcorp
Classification: Pathogenic for Mucopolysaccharidosis, MPS-III-D. Last evaluated: 2022-05-04. Review status: criteria provided, single submitter. Criteria: Invitae Variant Classification Sherloc (09022015). Collection method: clinical testing. Allele origin: germline.
Comment: For these reasons, this variant has been classified as Pathogenic. This premature translational stop signal has been observed in individual(s) with mucopolysaccharidosis type III (PMID: 20232353). This variant is not present in population databases (gnomAD no frequency). This sequence change creates a premature translational stop signal (p.Pro20Glnfs*84) in the GNS gene. It is expected to result in an absent or disrupted protein product. Loss-of-function variants in GNS are known to be pathogenic (PMID: 20232353).

Literature cited by the submitters: PubMed 20232353.